The following is an entry in ClinVar:

NM_004863.4(SPTLC2):c.*5358T>C

Gene: SPTLC2 (serine palmitoyltransferase long chain base subunit 2; minus strand). Cytogenetic location: 14q24.3.
Variant type: single nucleotide variant.
Coding change: c.*5358T>C on transcript NM_004863.4 (MANE Select); 5358 bases downstream of the stop codon, T replaced by C.
Molecular consequence: 3 prime UTR variant.
Genome position (GRCh38, 1-based): chr14:77,506,926, A>G on the plus strand (T>C on the coding strand, the complement: SPTLC2 is on the minus strand). VCF-style: chr14-77506926-A-G. GRCh37 (hg19) VCF-style: chr14-77973269-A-G.
Identifiers: ClinVar variation 314577 (VCV000314577.5), dbSNP rs8021886, ClinGen allele CA10641123.
Genomic context (GRCh38, chr14:77,506,926, plus strand): 5'-AAAAGAACAGAGCTTTGGGTATTGCTTCATTAAGAACACAGTAACTGCAGTTTAAAAGCC[A>G]TTGCATTCTTTAGGGTCAGTTTATTATAACTTATCCTACCAGAAAGAATCACAGTTTAAG-3'

ClinVar aggregate classification (germline): Benign (1 of 4 stars; one submission).

Conditions:
Neuropathy, hereditary sensory and autonomic, type 1C. Also called: HSAN IC; HSN IC. Identifiers: Orphanet 36386, MedGen C3150896, MONDO:0013337, OMIM 613640.

Allele frequency attached by ClinVar (database versions not stated): gnomAD 0.02591 and 0.02770; TOPMed 0.02838; 1000 Genomes Project 0.03115; 1000 Genomes Project 30x 0.03139.

Submission:

Illumina Laboratory Services, Illumina
Classification: Benign for Neuropathy, hereditary sensory and autonomic, type 1C. Last evaluated: 2018-01-13. Review status: criteria provided, single submitter. Criteria: ICSL Variant Classification Criteria 13 December 2019. Collection method: clinical testing. Allele origin: germline.
Comment: This variant was observed in the ICSL laboratory as part of a predisposition screen in an ostensibly healthy population. It had not been previously curated by ICSL or reported in the Human Gene Mutation Database (HGMD: prior to June 1st, 2018), and was therefore a candidate for classification through an automated scoring system. Utilizing variant allele frequency, disease prevalence and penetrance estimates, and inheritance mode, an automated score was calculated to assess if this variant is too frequent to cause the disease. Based on the score and internal cut-off values, a variant classified as benign is not then subjected to further curation. The score for this variant resulted in a classification of benign for this disease.